The following is an entry in ClinVar:

NM_144670.6(A2ML1):c.755G>A (p.Gly252Glu)

Gene: A2ML1 (alpha-2-macroglobulin like 1; plus strand). Cytogenetic location: 12p13.31.
Variant type: single nucleotide variant.
Coding change: c.755G>A on transcript NM_144670.6 (MANE Select); coding-DNA position 755, G replaced by A.
Protein change: p.Gly252Glu; replaces glycine 252 with glutamic acid.
Molecular consequence: missense variant.
Genome position (GRCh38, 1-based): chr12:8,837,466, G>A. VCF-style: chr12-8837466-G-A. GRCh37 (hg19) VCF-style: chr12-8990062-G-A.
Other names: short protein forms G252E.
Identifiers: ClinVar variation 840251 (VCV000840251.12), dbSNP rs1943320436, ClinGen allele CA383822794.

ClinVar aggregate classification (germline): Uncertain significance. Review status: criteria provided, multiple submitters, no conflicts (2 of 4 stars). 2 submissions from 2 submitters: Uncertain significance (2). Last evaluated 2025-12-20.

Allele frequency attached by ClinVar (database versions not stated): gnomAD exomes below 0.00001.
gnomAD v4.1: 3 of 1,614,016 alleles (0.00019%); highest among the groups gnomAD compares: Non-Finnish European, 0.000085%; no homozygotes.

Submissions (2):

Labcorp Genetics (formerly Invitae), Labcorp
Classification: Uncertain significance. Last evaluated: 2025-12-20. Review status: criteria provided, single submitter. Criteria: Invitae Variant Classification Sherloc (09022015). Collection method: clinical testing. Allele origin: germline.
Comment: This sequence change replaces glycine, which is neutral and non-polar, with glutamic acid, which is acidic and polar, at codon 252 of the A2ML1 protein (p.Gly252Glu). This variant is not present in population databases (gnomAD no frequency). This variant has not been reported in the literature in individuals affected with A2ML1-related conditions. ClinVar contains an entry for this variant (Variation ID: 840251). An algorithm developed to predict the effect of missense changes on protein structure and function (PolyPhen-2) suggests that this variant is likely to be disruptive. In summary, the available evidence is currently insufficient to determine the role of this variant in disease. Therefore, it has been classified as a Variant of Uncertain Significance.

Ambry Genetics
Classification: Uncertain significance. Last evaluated: 2022-04-04. Review status: criteria provided, single submitter. Criteria: Ambry Variant Classification Scheme 2023. Collection method: clinical testing. Allele origin: germline.
Comment: The p.G252E variant (also known as c.755G>A), located in coding exon 8 of the A2ML1 gene, results from a G to A substitution at nucleotide position 755. The glycine at codon 252 is replaced by glutamic acid, an amino acid with similar properties. This amino acid position is conserved. In addition, this alteration is predicted to be deleterious by in silico analysis. Since supporting evidence is limited at this time, the clinical significance of this alteration remains unclear.